The following is an entry in ClinVar:

ClinVar aggregate classification (germline): Pathogenic/Likely pathogenic. Review status: criteria provided, multiple submitters, no conflicts (2 of 4 stars). 6 submissions from 6 submitters: Pathogenic (1); Likely pathogenic (4). 1 of the submissions does not count toward it. Last evaluated 2024-11-22.

Conditions:
Usher syndrome type 1D (USH1D). Also called: USHER SYNDROME, TYPE ID. Identifiers: Orphanet 231169, Orphanet 886, MedGen C1832845, MONDO:0010984, OMIM 601067.
Usher syndrome type 1F (USH1F). Also called: USHER SYNDROME, TYPE IF. Identifiers: Orphanet 231169, Orphanet 886, MedGen C1865885, MONDO:0011186, OMIM 602083.
Autosomal recessive nonsyndromic hearing loss 23. Identifiers: Orphanet 90636, MedGen C1836027, MONDO:0012293, OMIM 609533.
PCDH15-related disorder. Also called: PCDH15-related disorders; PCDH15-related condition.

Allele frequency attached by ClinVar (database versions not stated): gnomAD exomes below 0.00001 and 0.00001; ExAC 0.00001; TOPMed 0.00001.
gnomAD v4.1: 10 of 1,614,068 alleles (0.00062%); highest among the groups gnomAD compares: Non-Finnish European, 0.00076%; no homozygotes.

Submissions (6):

Blueprint Genetics
Classification: Likely pathogenic for PCDH15-related disorders. Last evaluated: 2024-11-22. Review status: criteria provided, single submitter. Criteria: ACMG Guidelines, 2015. Collection method: clinical testing. Allele origin: germline. Affected: yes. Observed: 2 variant alleles.

Natera, Inc.
Classification: Likely pathogenic for Usher syndrome type 1F. Last evaluated: 2024-10-25. Review status: criteria provided, single submitter. Criteria: Natera Variant Classification Schema (03/2026). Collection method: clinical testing. Allele origin: germline.
Comment: The c.1209T>G variant in PCDH15 is a nonsense variant predicted to introduce a stop codon at amino acid 403. This variant is expected to result in nonsense mediated decay, truncation, or a dysfunctional protein product. This variant is rare in the general population with a frequency below the threshold expected for the associated phenotype(s). Given the available evidence, this variant is classified as Likely Pathogenic.

Fulgent Genetics
Classification: Likely pathogenic for Usher syndrome type 1D; Usher syndrome type 1F; Autosomal recessive nonsyndromic hearing loss 23. Last evaluated: 2024-06-13. Review status: criteria provided, single submitter. Criteria: ACMG Guidelines, 2015. Collection method: clinical testing. Allele origin: germline.

Broad Center for Mendelian Genomics, Broad Institute of MIT and Harvard
Classification: Likely pathogenic for Usher syndrome type 1F. Last evaluated: 2023-01-24. Review status: criteria provided, single submitter. Criteria: ACMG Guidelines, 2015. Collection method: curation. Allele origin: germline. Inheritance: Autosomal recessive inheritance.
Comment: The p.Tyr403Ter variant in PCDH15 has not been reported in the literature in individuals with Usher syndrome type 1F and has been identified in 0.0009% (1/113740) of European (non-Finnish) chromosomes by the Genome Aggregation Database (gnomAD; dbSNP ID: rs759187261). Although this variant has been seen in the general population in a heterozygous state, its frequency is low enough to be consistent with a recessive carrier frequency. This variant has also been reported in ClinVar (Variation ID#: 641711) and has been interpreted as pathogenic by Invitae. This nonsense variant leads to a premature termination codon at position 403, which is predicted to lead to a truncated or absent protein. Loss of function of the PCDH15 gene is an established disease mechanism in autosomal recessive Usher syndrome type 1F. In summary, although additional studies are required to fully establish its clinical significance, this variant is likely pathogenic for autosomal recessive Usher syndrome type 1F. ACMG/AMP Criteria applied: PVS1, PM2 (Richards 2015).

Labcorp Genetics (formerly Invitae), Labcorp
Classification: Pathogenic. Last evaluated: 2018-11-20. Review status: criteria provided, single submitter. Criteria: Invitae Variant Classification Sherloc (09022015). Collection method: clinical testing. Allele origin: germline.
Comment: For these reasons, this variant has been classified as Pathogenic. Loss-of-function variants in PCDH15 are known to be pathogenic (PMID: 11398101, 11487575, 14570705). This variant has not been reported in the literature in individuals with PCDH15-related disease. This variant is present in population databases (rs759187261, ExAC 0.001%). This sequence change creates a premature translational stop signal (p.Tyr403*) in the PCDH15 gene. It is expected to result in an absent or disrupted protein product.

PreventionGenetics, part of Exact Sciences
Classification: Likely pathogenic for PCDH15-related condition. Last evaluated: 2024-08-05. Review status: no assertion criteria provided. Collection method: clinical testing. Allele origin: germline. Not counted in ClinVar's aggregate classification.
Comment: The PCDH15 c.1209T>G variant is predicted to result in premature protein termination (p.Tyr403*). To our knowledge, this variant has not been previously reported in the literature. This variant is reported in 0.00088% of alleles in individuals of European (Non-Finnish) descent in gnomAD. Nonsense variants in PCDH15 are expected to be pathogenic. This variant is interpreted as likely pathogenic.

Literature cited by the submitters: PubMed 11398101 (cited by Labcorp Genetics (formerly Invitae), Labcorp); PubMed 11487575 (cited by Labcorp Genetics (formerly Invitae), Labcorp); PubMed 14570705 (cited by Labcorp Genetics (formerly Invitae), Labcorp).

NM_001384140.1(PCDH15):c.1209T>G (p.Tyr403Ter)

Gene: PCDH15 (protocadherin related 15; minus strand). Cytogenetic location: 10q21.1.
Variant type: single nucleotide variant.
Coding change: c.1209T>G on transcript NM_001384140.1 (MANE Select); coding-DNA position 1209, T replaced by G.
Protein change: p.Tyr403Ter; replaces tyrosine 403 with a stop codon.
Molecular consequence: nonsense.
Genome position (GRCh38, 1-based): chr10:54,195,779, A>C on the plus strand (T>G on the coding strand, the complement: PCDH15 is on the minus strand). VCF-style: chr10-54195779-A-C. GRCh37 (hg19) VCF-style: chr10-55955539-A-C.
Other names: NM_001384140.1(PCDH15):c.1209T>G; p.Tyr403Ter; c.1224T>G, p.Tyr408Ter (NM_001142763.2, NM_001142769.4, NM_001142771.2); c.1209T>G, p.Tyr403Ter (NM_001142764.2, NM_001142765.2, NM_001142766.2 and 7 more transcripts); c.1098T>G, p.Tyr366Ter (NM_001142767.2); c.1143T>G, p.Tyr381Ter (NM_001142768.2, NM_001142773.2, NM_001354404.2); short protein forms Y381*, Y403*, Y366*, Y408*.
Identifiers: ClinVar variation 641711 (VCV000641711.10), dbSNP rs759187261, ClinGen allele CA5506464.